The following is an entry in ClinVar:

NM_198282.4(STING1):c.335C>T (p.Ala112Val)

Genes: STING1 (stimulator of interferon response cGAMP interactor 1; minus strand), LOC123522803 (Sharpr-MPRA regulatory region 11914; plus strand). Cytogenetic location: 5q31.2.
Variant type: single nucleotide variant.
Coding change: c.335C>T on transcript NM_198282.4 (MANE Select); coding-DNA position 335, C replaced by T.
Protein change: p.Ala112Val; replaces alanine 112 with valine.
Molecular consequence: missense variant. On other transcripts: 5 prime UTR variant (1).
Genome position (GRCh38, 1-based): chr5:139,481,235, G>A on the plus strand (C>T on the coding strand, the complement: STING1 is on the minus strand). VCF-style: chr5-139481235-G-A. GRCh37 (hg19) VCF-style: chr5-138860820-G-A.
Other names: c.335C>T, p.Ala112Val (NM_001301738.2); c.-23C>T (NM_001367258.1); c.335C>T (NM_198282.2); short protein forms A112V.
Identifiers: ClinVar variation 2989335 (VCV002989335.4), dbSNP rs201699999, ClinGen allele CA3435443.

ClinVar aggregate classification (germline): Uncertain significance. Review status: criteria provided, multiple submitters, no conflicts (2 of 4 stars). 2 submissions from 2 submitters: Uncertain significance (2). Last evaluated 2024-11-27.

Conditions:
STING-associated vasculopathy with onset in infancy. Also called: Sting-associated vasculopathy, infantile-onset. Identifiers: Orphanet 425120, MedGen C4014722, MONDO:0014405, OMIM 615934.
Inborn genetic diseases. Identifiers: MedGen C0950123, MeSH D030342.

Allele frequency attached by ClinVar (database versions not stated): gnomAD 0.00001; ExAC 0.00002; gnomAD exomes below 0.00001; 1000 Genomes Project 0.00020; 1000 Genomes Project 30x 0.00016.
gnomAD v4.1: 8 of 1,614,162 alleles (0.0005%); highest among the groups gnomAD compares: African/African-American, 0.0013%; no homozygotes.

Submissions (2):

Labcorp Genetics (formerly Invitae), Labcorp
Classification: Uncertain significance for STING-associated vasculopathy with onset in infancy. Last evaluated: 2024-11-27. Review status: criteria provided, single submitter. Criteria: Invitae Variant Classification Sherloc (09022015). Collection method: clinical testing. Allele origin: germline.
Comment: This sequence change replaces alanine, which is neutral and non-polar, with valine, which is neutral and non-polar, at codon 112 of the TMEM173 protein (p.Ala112Val). This variant is present in population databases (rs201699999, gnomAD 0.007%). This variant has not been reported in the literature in individuals affected with TMEM173-related conditions. ClinVar contains an entry for this variant (Variation ID: 2989335). Invitae Evidence Modeling of protein sequence and biophysical properties (such as structural, functional, and spatial information, amino acid conservation, physicochemical variation, residue mobility, and thermodynamic stability) indicates that this missense variant is not expected to disrupt TMEM173 protein function with a negative predictive value of 80%. In summary, the available evidence is currently insufficient to determine the role of this variant in disease. Therefore, it has been classified as a Variant of Uncertain Significance.

Ambry Genetics
Classification: Uncertain significance for Inborn genetic diseases. Last evaluated: 2024-11-14. Review status: criteria provided, single submitter. Criteria: Ambry Variant Classification Scheme 2023. Collection method: clinical testing. Allele origin: germline.